The following is an entry in ClinVar:

NM_014391.3(ANKRD1):c.202G>A (p.Ala68Thr)

Gene: ANKRD1 (ankyrin repeat domain 1; minus strand). Cytogenetic location: 10q23.31.
Variant type: single nucleotide variant.
Coding change: c.202G>A on transcript NM_014391.3 (MANE Select); coding-DNA position 202, G replaced by A.
Protein change: p.Ala68Thr; replaces alanine 68 with threonine.
Molecular consequence: missense variant.
Genome position (GRCh38, 1-based): chr10:90,920,174, C>T on the plus strand (G>A on the coding strand, the complement: ANKRD1 is on the minus strand). VCF-style: chr10-90920174-C-T. GRCh37 (hg19) VCF-style: chr10-92679931-C-T.
Other names: short protein forms A68T.
Identifiers: ClinVar variation 191605 (VCV000191605.1), dbSNP rs200249746, ClinGen allele CA237040.

ClinVar aggregate classification (germline): Uncertain significance (1 of 4 stars; one submission).

Allele frequency attached by ClinVar (database versions not stated): gnomAD exomes below 0.00001; gnomAD 0.00001 and 0.00003.
gnomAD v4.1: 2 of 1,613,514 alleles (0.00012%); highest among the groups gnomAD compares: Non-Finnish European, 0.00017%; no homozygotes.

Submission:

Biesecker Lab/Clinical Genomics Section, National Institutes of Health
Classification: Uncertain significance. Last evaluated: 2013-06-24. Review status: criteria provided, single submitter. Criteria: Ng et al. (Circ Cardiovasc Genet. 2013). Collection method: research. Allele origin: unknown. Observed: 1 variant allele. Study: ClinSeq.
Comment: The study set was not selected for affection status in relation to any cancer. Pathogenicity categories were based on literature curation. See Pubmed ID:23861362 for details.

Medical sequencing